The following is an entry in ClinVar:

ClinVar aggregate classification (germline): Uncertain significance (1 of 4 stars; one submission).

Conditions:
Charcot-Marie-Tooth disease dominant intermediate B (CMTDIB). Also called: CHARCOT-MARIE-TOOTH NEUROPATHY, DOMINANT INTERMEDIATE B; Charcot-Marie-Tooth disease dominant intermediate 1; CMT DI1; Charcot-Marie-Tooth disease dominant intermediate I. Identifiers: Orphanet 100044, Orphanet 228179, MedGen C1847902, MONDO:0011674, OMIM 606482.

Allele frequency attached by ClinVar (database versions not stated): gnomAD exomes below 0.00001; TOPMed below 0.00001; ExAC 0.00001.
gnomAD v4.1: 6 of 1,613,816 alleles (0.00037%); highest among the groups gnomAD compares: East Asian, 0.0022%; no homozygotes.

Submission:

Labcorp Genetics (formerly Invitae), Labcorp
Classification: Uncertain significance for Charcot-Marie-Tooth disease dominant intermediate B. Last evaluated: 2023-05-01. Review status: criteria provided, single submitter. Criteria: Invitae Variant Classification Sherloc (09022015). Collection method: clinical testing. Allele origin: germline.
Comment: In summary, the available evidence is currently insufficient to determine the role of this variant in disease. Therefore, it has been classified as a Variant of Uncertain Significance. Advanced modeling of protein sequence and biophysical properties (such as structural, functional, and spatial information, amino acid conservation, physicochemical variation, residue mobility, and thermodynamic stability) has been performed at Invitae for this missense variant, however the output from this modeling did not meet the statistical confidence thresholds required to predict the impact of this variant on DNM2 protein function. ClinVar contains an entry for this variant (Variation ID: 1956168). This variant has not been reported in the literature in individuals affected with DNM2-related conditions. This variant is present in population databases (rs749953105, gnomAD 0.006%). This sequence change replaces arginine, which is basic and polar, with cysteine, which is neutral and slightly polar, at codon 724 of the DNM2 protein (p.Arg724Cys).

NM_001005361.3(DNM2):c.2170C>T (p.Arg724Cys)

Gene: DNM2 (dynamin 2; plus strand). Cytogenetic location: 19p13.2.
Variant type: single nucleotide variant.
Coding change: c.2170C>T on transcript NM_001005361.3 (MANE Select); coding-DNA position 2170, C replaced by T.
Protein change: p.Arg724Cys; replaces arginine 724 with cysteine.
Molecular consequence: missense variant.
Genome position (GRCh38, 1-based): chr19:10,829,147, C>T. VCF-style: chr19-10829147-C-T. GRCh37 (hg19) VCF-style: chr19-10939823-C-T.
Other names: c.2170C>T, p.Arg724Cys (NM_001005360.3, NM_001190716.2); c.2158C>T, p.Arg720Cys (NM_001005362.3, NM_004945.4); short protein forms R720C, R724C.
Identifiers: ClinVar variation 1956168 (VCV001956168.5), dbSNP rs749953105, ClinGen allele CA9201539.
Genomic context (GRCh38, chr19:10,829,147, plus strand): 5'-GACCAGAGCAGCCTCATGGAGGAGTCGGCTGACCAGGCACAGCGGCGGGACGACATGCTG[C>T]GCATGTACCATGCCCTCAAGGAGGCGCTCAACATCATCGGTGACATCAGCACCAGCACTG-3'
Protein context (NP_001005361.1, residues 714-734): DQAQRRDDML[Arg724Cys]MYHALKEALN